The following is an entry in ClinVar:

ClinVar aggregate classification (germline): Uncertain significance (1 of 4 stars; one submission).

Conditions:
LAMA2-related muscular dystrophy (LAMA2-RD). Also called: Laminin alpha 2-related dystrophy. Identifiers: MedGen C5679788, MONDO:0100228.

Allele frequency attached by ClinVar (database versions not stated): gnomAD exomes below 0.00001; TOPMed below 0.00001.
gnomAD v4.1: 1 of 1,613,886 alleles (0.000062%); highest among the groups gnomAD compares: Non-Finnish European, 0.000085%; no homozygotes.

Submission:

Labcorp Genetics (formerly Invitae), Labcorp
Classification: Uncertain significance for LAMA2-related muscular dystrophy. Last evaluated: 2022-06-10. Review status: criteria provided, single submitter. Criteria: Invitae Variant Classification Sherloc (09022015). Collection method: clinical testing. Allele origin: germline.
Comment: This sequence change replaces aspartic acid, which is acidic and polar, with histidine, which is basic and polar, at codon 1875 of the LAMA2 protein (p.Asp1875His). This variant is not present in population databases (gnomAD no frequency). This variant has not been reported in the literature in individuals affected with LAMA2-related conditions. Advanced modeling of protein sequence and biophysical properties (such as structural, functional, and spatial information, amino acid conservation, physicochemical variation, residue mobility, and thermodynamic stability) performed at Invitae indicates that this missense variant is not expected to disrupt LAMA2 protein function. In summary, the available evidence is currently insufficient to determine the role of this variant in disease. Therefore, it has been classified as a Variant of Uncertain Significance.

NM_000426.4(LAMA2):c.5623G>C (p.Asp1875His)

Gene: LAMA2 (laminin subunit alpha 2; plus strand). Cytogenetic location: 6q22.33.
Variant type: single nucleotide variant.
Coding change: c.5623G>C on transcript NM_000426.4 (MANE Select); coding-DNA position 5623, G replaced by C.
Protein change: p.Asp1875His; replaces aspartic acid 1875 with histidine.
Molecular consequence: missense variant.
Genome position (GRCh38, 1-based): chr6:129,402,384, G>C. VCF-style: chr6-129402384-G-C. GRCh37 (hg19) VCF-style: chr6-129723529-G-C.
Other names: c.5623G>C, p.Asp1875His (NM_001079823.2); short protein forms D1875H.
Identifiers: ClinVar variation 1980240 (VCV001980240.1), dbSNP rs1780030171, ClinGen allele CA365616240.
Genomic context (GRCh38, chr6:129,402,384, plus strand): 5'-TATGTTGAAGACATCCAAACTAAATTGCCACCTATGTCTGAGGAGCTTAATGATAAAATA[G>C]ATGACCTCTCCCAAGAAATAAAGGACAGGAAGCTTGCTGAGAAGGTGTCCCAGGCTGAGA-3'
Protein context (NP_000417.3, residues 1865-1885): PMSEELNDKI[Asp1875His]DLSQEIKDRK